The following is an entry in ClinVar:

ClinVar aggregate classification (germline): Pathogenic (1 of 4 stars; one submission).

Submission:

Labcorp Genetics (formerly Invitae), Labcorp
Classification: Pathogenic. Last evaluated: 2022-07-06. Review status: criteria provided, single submitter. Criteria: Invitae Variant Classification Sherloc (09022015). Collection method: clinical testing. Allele origin: germline.
Comment: This sequence change replaces phenylalanine, which is neutral and non-polar, with leucine, which is neutral and non-polar, at codon 547 of the CNGA3 protein (p.Phe547Leu). For these reasons, this variant has been classified as Pathogenic. Advanced modeling of protein sequence and biophysical properties (such as structural, functional, and spatial information, amino acid conservation, physicochemical variation, residue mobility, and thermodynamic stability) performed at Invitae indicates that this missense variant is expected to disrupt CNGA3 protein function. ClinVar contains an entry for this variant (Variation ID: 1365127). A different variant (c.1641C>A) giving rise to the same protein effect has been determined to be pathogenic (PMID: 9662398, 11536077, 23972307, 30682209). This suggests that this variant is also likely to be causative of disease. This variant is not present in population databases (gnomAD no frequency).

Literature cited by the submitters: PubMed 9662398; PubMed 11536077; PubMed 23972307; PubMed 30682209.

NM_001298.3(CNGA3):c.1641C>G (p.Phe547Leu)

Gene: CNGA3 (cyclic nucleotide gated channel subunit alpha 3; plus strand). Cytogenetic location: 2q11.2.
Variant type: single nucleotide variant.
Coding change: c.1641C>G on transcript NM_001298.3 (MANE Select); coding-DNA position 1641, C replaced by G.
Protein change: p.Phe547Leu; replaces phenylalanine 547 with leucine.
Molecular consequence: missense variant.
Genome position (GRCh38, 1-based): chr2:98,396,811, C>G. VCF-style: chr2-98396811-C-G. GRCh37 (hg19) VCF-style: chr2-99013274-C-G.
Other names: c.1587C>G, p.Phe529Leu (NM_001079878.2); short protein forms F529L, F547L.
Identifiers: ClinVar variation 1365127 (VCV001365127.8), dbSNP rs104893617, ClinGen allele CA347833980.